The following is an entry in ClinVar:

ClinVar aggregate classification (germline): Likely pathogenic (1 of 4 stars; one submission).

Conditions:
Cardiovascular phenotype. Identifiers: MedGen CN230736.

Submission:

Ambry Genetics
Classification: Likely pathogenic for Cardiovascular phenotype. Last evaluated: 2025-03-19. Review status: criteria provided, single submitter. Criteria: Ambry Variant Classification Scheme 2023. Collection method: clinical testing. Allele origin: germline.
Comment: The c.2289delT variant, located in coding exon 14 of the DSG2 gene, results from a deletion of one nucleotide at nucleotide position 2289, causing a translational frameshift with a predicted alternate stop codon (p.A764Lfs*4). This alteration occurs at the 3' terminus of theDSG2 gene, is not expected to trigger nonsense-mediated mRNA decay, and impacts the last 31% of the protein. However, premature stop codons are typically deleterious in nature and a significant portion of the protein is affected (Ambry internal data). Based on the majority of available evidence to date, this variant is likely to be pathogenic.

NM_001943.5(DSG2):c.2289del (p.Ala764fs)

Genes: DSG2 (desmoglein 2; plus strand), DSG2-AS1 (DSG2 antisense RNA 1; minus strand). Cytogenetic location: 18q12.1.
Variant type: Deletion.
Coding change: c.2289del on transcript NM_001943.5 (MANE Select); coding-DNA position 2289, one base deleted (T; older notation c.2289delT).
Protein change: p.Ala764fs; shifts the reading frame from alanine 764.
Molecular consequence: frameshift variant.
Genome position (GRCh38, 1-based): chr18:31,542,807, T deleted. VCF-style (leftmost placement, unchanged base first): chr18-31542806-CT-C. GRCh37 (hg19) VCF-style: chr18-29122769-CT-C.
Other names: short protein forms A764fs.
Identifiers: ClinVar variation 4015017 (VCV004015017.1).